The following is an entry in ClinVar:

NM_006231.4(POLE):c.6278C>T (p.Ser2093Phe)

Gene: POLE (DNA polymerase epsilon, catalytic subunit; minus strand). Cytogenetic location: 12q24.33.
Variant type: single nucleotide variant.
Coding change: c.6278C>T on transcript NM_006231.4 (MANE Select); coding-DNA position 6278, C replaced by T.
Protein change: p.Ser2093Phe; replaces serine 2093 with phenylalanine.
Molecular consequence: missense variant.
Genome position (GRCh38, 1-based): chr12:132,632,367, G>A on the plus strand (C>T on the coding strand, the complement: POLE is on the minus strand). VCF-style: chr12-132632367-G-A. GRCh37 (hg19) VCF-style: chr12-133208953-G-A.
Other names: c.6278C>T (NM_006231.2); short protein forms S2093F.
Identifiers: ClinVar variation 581610 (VCV000581610.15), dbSNP rs890951073, ClinGen allele CA246292677.

ClinVar aggregate classification (germline): Uncertain significance. Review status: criteria provided, multiple submitters, no conflicts (2 of 4 stars). 3 submissions from 3 submitters: Uncertain significance (3). Last evaluated 2025-07-31.

Conditions:
Hereditary cancer-predisposing syndrome. Also called: Neoplastic Syndromes, Hereditary; Hereditary Cancer Syndrome; Tumor predisposition; Hereditary neoplastic syndrome. Identifiers: Orphanet 140162, MedGen C0027672, MeSH D009386, MONDO:0015356.

Allele frequency attached by ClinVar (database versions not stated): gnomAD exomes 0.00001.
gnomAD v4.1: 10 of 1,614,190 alleles (0.00062%); highest among the groups gnomAD compares: Non-Finnish European, 0.00076%; no homozygotes.

Submissions (3):

Labcorp Genetics (formerly Invitae), Labcorp
Classification: Uncertain significance. Last evaluated: 2025-07-31. Review status: criteria provided, single submitter. Criteria: Invitae Variant Classification Sherloc (09022015). Collection method: clinical testing. Allele origin: germline.
Comment: This sequence change replaces serine, which is neutral and polar, with phenylalanine, which is neutral and non-polar, at codon 2093 of the POLE protein (p.Ser2093Phe). This variant is not present in population databases (gnomAD no frequency). This variant has not been reported in the literature in individuals affected with POLE-related conditions. ClinVar contains an entry for this variant (Variation ID: 581610). Invitae Evidence Modeling of protein sequence and biophysical properties (such as structural, functional, and spatial information, amino acid conservation, physicochemical variation, residue mobility, and thermodynamic stability) indicates that this missense variant is not expected to disrupt POLE protein function with a negative predictive value of 80%. In summary, the available evidence is currently insufficient to determine the role of this variant in disease. Therefore, it has been classified as a Variant of Uncertain Significance.

Ambry Genetics
Classification: Uncertain significance for Hereditary cancer-predisposing syndrome. Last evaluated: 2024-12-04. Review status: criteria provided, single submitter. Criteria: Ambry Variant Classification Scheme 2023. Collection method: clinical testing. Allele origin: germline.
Comment: The p.S2093F variant (also known as c.6278C>T), located in coding exon 45 of the POLE gene, results from a C to T substitution at nucleotide position 6278. The serine at codon 2093 is replaced by phenylalanine, an amino acid with highly dissimilar properties. This amino acid position is highly conserved in available vertebrate species. In addition, this alteration is predicted to be deleterious by in silico analysis. Based on the available evidence, the clinical significance of this variant remains unclear.

GeneDx
Classification: Uncertain significance. Last evaluated: 2024-04-03. Review status: criteria provided, single submitter. Criteria: GeneDx Variant Classification Process June 2021. Collection method: clinical testing. Allele origin: germline. Affected: yes.
Comment: Not observed in large population cohorts (gnomAD); In silico analysis, which includes protein predictors and evolutionary conservation, supports a deleterious effect; Has not been previously published as pathogenic or benign to our knowledge